The following is an entry in ClinVar:

ClinVar aggregate classification (germline): Uncertain significance. Review status: criteria provided, multiple submitters, no conflicts (2 of 4 stars). 2 submissions from 2 submitters: Uncertain significance (2). Last evaluated 2026-01-08.

Conditions:
Stormorken syndrome (STRMK). Also called: THROMBOCYTOPATHY, ASPLENIA, AND MIOSIS. Identifiers: Orphanet 3204, MedGen C1861451, MONDO:0008497, OMIM 185070.
Combined immunodeficiency due to STIM1 deficiency. Also called: IMMUNODEFICIENCY 10; STIM1 DEFICIENCY. Identifiers: Orphanet 169090, Orphanet 317430, MedGen C2748557, MONDO:0013008, OMIM 612783.
Myopathy with tubular aggregates (TAM). Also called: Tubular Aggregate Myopathy. Identifiers: Orphanet 2593, MedGen C0410207, MONDO:0008051.
Inborn genetic diseases. Identifiers: MedGen C0950123, MeSH D030342.

Allele frequency attached by ClinVar (database versions not stated): ExAC 0.00003; 1000 Genomes Project 0.00020; gnomAD exomes 0.00003 and 0.00001; TOPMed 0.00010; 1000 Genomes Project 30x 0.00016; ESP Exome Variant Server 0.00008; gnomAD 0.00013 and 0.00014.
gnomAD v4.1: 35 of 1,614,100 alleles (0.0022%); highest among the groups gnomAD compares: African/African-American, 0.044%; no homozygotes.

Submissions (2):

Labcorp Genetics (formerly Invitae), Labcorp
Classification: Uncertain significance for Myopathy with tubular aggregates; Combined immunodeficiency due to STIM1 deficiency; Stormorken syndrome. Last evaluated: 2026-01-08. Review status: criteria provided, single submitter. Criteria: Invitae Variant Classification Sherloc (09022015). Collection method: clinical testing. Allele origin: germline.
Comment: This sequence change replaces glutamine, which is neutral and polar, with lysine, which is basic and polar, at codon 188 of the STIM1 protein (p.Gln188Lys). This variant is present in population databases (rs372235564, gnomAD 0.05%). This variant has not been reported in the literature in individuals affected with STIM1-related conditions. ClinVar contains an entry for this variant (Variation ID: 1000246). Invitae Evidence Modeling of protein sequence and biophysical properties (such as structural, functional, and spatial information, amino acid conservation, physicochemical variation, residue mobility, and thermodynamic stability) has been performed for this missense variant. However, the output from this modeling did not meet the statistical confidence thresholds required to predict the impact of this variant on STIM1 protein function. In summary, the available evidence is currently insufficient to determine the role of this variant in disease. Therefore, it has been classified as a Variant of Uncertain Significance.

Ambry Genetics
Classification: Uncertain significance for Inborn genetic diseases. Last evaluated: 2025-02-28. Review status: criteria provided, single submitter. Criteria: Ambry Variant Classification Scheme 2023. Collection method: clinical testing. Allele origin: germline.

NM_001382567.1(STIM1):c.562C>A (p.Gln188Lys)

Gene: STIM1 (stromal interaction molecule 1; plus strand). Cytogenetic location: 11p15.4.
Variant type: single nucleotide variant.
Coding change: c.562C>A on transcript NM_001382567.1 (MANE Select); coding-DNA position 562, C replaced by A.
Protein change: p.Gln188Lys; replaces glutamine 188 with lysine.
Molecular consequence: missense variant. On other transcripts: non-coding transcript variant (3), intron variant (1).
Genome position (GRCh38, 1-based): chr11:4,059,345, C>A. VCF-style: chr11-4059345-C-A. GRCh37 (hg19) VCF-style: chr11-4080575-C-A.
Other names: c.562C>A, p.Gln188Lys (NM_001277961.3, NM_001277962.2, NM_001382568.1 and 2 more transcripts); c.340C>A, p.Gln114Lys (NM_001382566.1, NM_001382573.1, NM_001382574.1 and 5 more transcripts); c.427C>A, p.Gln143Lys (NM_001382569.1); c.82C>A, p.Gln28Lys (NM_001382571.1); c.73C>A, p.Gln25Lys (NM_001382580.1, NM_001382581.1); c.386-10681C>A (NM_001382570.1); c.562C>A (NM_003156.3); short protein forms Q114K, Q143K, Q188K, Q25K, Q28K.
Identifiers: ClinVar variation 1000246 (VCV001000246.10), dbSNP rs372235564, ClinGen allele CA5830255.
Genomic context (GRCh38, chr11:4,059,345, plus strand): 5'-GCTGTCACCAACACCACCATGACAGGGACTGTGCTGAAGATGACAGACCGGAGTCATCGG[C>A]AGAAGCTGCAGCTGAAGGCTCTGGATACAGTGCTCTTTGGGCCTCCTCTCTGTGAGTCTT-3'
Protein context (NP_001369496.1, residues 178-198): VLKMTDRSHR[Gln188Lys]KLQLKALDTV